The following is an entry in ClinVar:

NM_001372.4(DNAH9):c.1378C>T (p.His460Tyr)

Gene: DNAH9 (dynein axonemal heavy chain 9; plus strand). Cytogenetic location: 17p12.
Variant type: single nucleotide variant.
Coding change: c.1378C>T on transcript NM_001372.4 (MANE Select); coding-DNA position 1378, C replaced by T.
Protein change: p.His460Tyr; replaces histidine 460 with tyrosine.
Molecular consequence: missense variant.
Genome position (GRCh38, 1-based): chr17:11,629,444, C>T. VCF-style: chr17-11629444-C-T. GRCh37 (hg19) VCF-style: chr17-11532761-C-T.
Other names: short protein forms H460Y.
Identifiers: ClinVar variation 2876377 (VCV002876377.3), dbSNP rs377142502, ClinGen allele CA398173162.

ClinVar aggregate classification (germline): Uncertain significance (1 of 4 stars; one submission).

gnomAD v4.1: 3 of 1,614,068 alleles (0.00019%); highest among the groups gnomAD compares: Admixed American, 0.0033%; no homozygotes.

Submission:

Labcorp Genetics (formerly Invitae), Labcorp
Classification: Uncertain significance. Last evaluated: 2023-10-14. Review status: criteria provided, single submitter. Criteria: Invitae Variant Classification Sherloc (09022015). Collection method: clinical testing. Allele origin: germline.
Comment: This sequence change replaces histidine, which is basic and polar, with tyrosine, which is neutral and polar, at codon 460 of the DNAH9 protein (p.His460Tyr). This variant is present in population databases (no rsID available, gnomAD 0.003%). This variant has not been reported in the literature in individuals affected with DNAH9-related conditions. Algorithms developed to predict the effect of missense changes on protein structure and function output the following: SIFT: "Not Available"; PolyPhen-2: "Benign"; Align-GVGD: "Not Available". The tyrosine amino acid residue is found in multiple mammalian species, which suggests that this missense change does not adversely affect protein function. In summary, the available evidence is currently insufficient to determine the role of this variant in disease. Therefore, it has been classified as a Variant of Uncertain Significance.